The following is an entry in ClinVar:

ClinVar aggregate classification (germline): Uncertain significance. Review status: criteria provided, multiple submitters, no conflicts (2 of 4 stars). 8 submissions from 8 submitters: Uncertain significance (7). 1 of the submissions does not count toward it. Last evaluated 2025-04-27.

Conditions:
Hereditary cancer-predisposing syndrome. Also called: Tumor predisposition; Hereditary Cancer Syndrome; Hereditary neoplastic syndrome; Neoplastic Syndromes, Hereditary. Identifiers: Orphanet 140162, MedGen C0027672, MeSH D009386, MONDO:0015356.
Hereditary breast ovarian cancer syndrome. Also called: Hereditary breast and ovarian cancer syndrome (HBOC); BRCA1- and BRCA2-Associated Hereditary Breast and Ovarian Cancer; Hereditary breast and/or ovarian cancer syndrome; Breast and ovarian cancer; Hereditary breast and ovarian cancer syndrome; Hereditary breast and ovarian cancer. Identifiers: Orphanet 145, MedGen C0677776, MeSH D061325, MONDO:0003582. Disease mechanism: loss of function.
Breast-ovarian cancer, familial, susceptibility to, 2 (BROVCA2). Also called: BRCA2 Hereditary Breast and Ovarian Cancer. Identifiers: Orphanet 145, MedGen C2675520, MONDO:0012933, OMIM 612555. Disease mechanism: loss of function.
Malignant tumor of breast. Also called: Malignant breast neoplasm; Cancer breast. Identifiers: MedGen C0006142, MONDO:0007254. Disease mechanism: loss of function.

Allele frequency attached by ClinVar (database versions not stated): gnomAD exomes 0.00001.
gnomAD v4.1: 8 of 1,613,684 alleles (0.0005%); highest among the groups gnomAD compares: Non-Finnish European, 0.00068%; no homozygotes.

Submissions (8):

Labcorp Genetics (formerly Invitae), Labcorp
Classification: Uncertain significance for Hereditary breast ovarian cancer syndrome. Last evaluated: 2025-04-27. Review status: criteria provided, single submitter. Criteria: Invitae Variant Classification Sherloc (09022015). Collection method: clinical testing. Allele origin: germline.
Comment: This sequence change replaces serine, which is neutral and polar, with asparagine, which is neutral and polar, at codon 2922 of the BRCA2 protein (p.Ser2922Asn). This variant is present in population databases (rs730881567, gnomAD 0.0009%). This variant has not been reported in the literature in individuals affected with BRCA2-related conditions. ClinVar contains an entry for this variant (Variation ID: 182254). Invitae Evidence Modeling of protein sequence and biophysical properties (such as structural, functional, and spatial information, amino acid conservation, physicochemical variation, residue mobility, and thermodynamic stability) indicates that this missense variant is not expected to disrupt BRCA2 protein function with a negative predictive value of 95%. In summary, the available evidence is currently insufficient to determine the role of this variant in disease. Therefore, it has been classified as a Variant of Uncertain Significance.

Quest Diagnostics Nichols Institute San Juan Capistrano
Classification: Uncertain significance. Last evaluated: 2025-03-13. Review status: criteria provided, single submitter. Criteria: Quest Diagnostics criteria. Collection method: clinical testing. Allele origin: unknown.
Comment: The BRCA2 c.8765G>A (p.Ser2922Asn) variant has been reported in the published literature in individuals undergoing genetic testing (PMID: 31853058 (2020), 28726806 (2018)). A published functional study indicates that this variant is not damaging to protein function (PMID: 39779848 (2025)). The frequency of this variant in the general population (Genome Aggregation Database) is uninformative in the assessment of its pathogenicity. Analysis of this variant using bioinformatics tools for the prediction of the effect of amino acid changes on protein structure and function yielded conflicting predictions that this variant is benign or damaging. Based on the available information, we are unable to determine the clinical significance of this variant.

Ambry Genetics
Classification: Uncertain significance for Hereditary cancer-predisposing syndrome. Last evaluated: 2024-06-26. Review status: criteria provided, single submitter. Criteria: Ambry Variant Classification Scheme 2023. Collection method: clinical testing. Allele origin: germline.
Comment: The p.S2922N variant (also known as c.8765G>A), located in coding exon 21 of the BRCA2 gene, results from a G to A substitution at nucleotide position 8765. The serine at codon 2922 is replaced by asparagine, an amino acid with highly similar properties. This amino acid position is highly conserved in available vertebrate species. In addition, the in silico prediction for this alteration is inconclusive. Based on the available evidence, the clinical significance of this variant remains unclear.

All of Us Research Program, National Institutes of Health
Classification: Uncertain significance for Breast-ovarian cancer, familial, susceptibility to, 2. Last evaluated: 2023-10-23. Review status: criteria provided, single submitter. Criteria: ACMG Guidelines, 2015. Collection method: clinical testing. Allele origin: germline. Inheritance: Autosomal dominant inheritance. Observed: 1 variant allele, 1 heterozygote.
Comment: This missense variant replaces serine with asparagine at codon 2922 of the BRCA2 protein. Computational prediction suggests that this variant may not impact protein structure and function (internally defined REVEL score threshold <= 0.5, PMID: 27666373). To our knowledge, functional studies have not been reported for this variant. This variant has not been reported in individuals affected with BRCA2-related disorders in the literature. This variant has been identified in 2/250506 chromosomes in the general population by the Genome Aggregation Database (gnomAD). The available evidence is insufficient to determine the role of this variant in disease conclusively. Therefore, this variant is classified as a Variant of Uncertain Significance.

This study involves interpretation of variants in research participants for the purpose of population health screening. Participant phenotype was not available at the time of variant classification. Additional details can be found in publication PMID: 35346344, PMCID: PMC8962531

Blueprint Genetics
Classification: Uncertain significance. Last evaluated: 2022-06-15. Review status: criteria provided, single submitter. Criteria: ACMG Guidelines, 2015. Collection method: clinical testing. Allele origin: germline.

Women's Health and Genetics/Laboratory Corporation of America, LabCorp
Classification: Uncertain significance. Last evaluated: 2021-07-22. Review status: criteria provided, single submitter. Criteria: LabCorp Variant Classification Summary - May 2015. Collection method: clinical testing. Allele origin: germline.
Comment: Variant summary: BRCA2 c.8765G>A (p.Ser2922Asn) results in a conservative amino acid change in the encoded protein sequence. Four of five in-silico tools predict a damaging effect of the variant on protein function. The variant allele was found at a frequency of 8e-06 in 250506 control chromosomes (gnomAD). The available data on variant occurrences in the general population are insufficient to allow any conclusion about variant significance. To our knowledge, no occurrence of c.8765G>A in individuals affected with Hereditary Breast And Ovarian Cancer Syndrome and no experimental evidence demonstrating its impact on protein function have been reported. Three ClinVar submitters (evaluation after 2014) cite the variant as uncertain significance. Based on the evidence outlined above, the variant was classified as uncertain significance.

GeneDx
Classification: Uncertain significance. Last evaluated: 2017-10-24. Review status: criteria provided, single submitter. Criteria: GeneDx Variant Classification (06012015). Collection method: clinical testing. Allele origin: germline. Affected: yes.
Comment: This variant is denoted BRCA2 c.8765G>A at the cDNA level, p.Ser2922Asn (S2922N) at the protein level, and results in the change of a Serine to an Asparagine (AGT>AAT). Using alternate nomenclature, this variant would be defined as BRCA2 8993G>A. This variant has not, to our knowledge, been published in the literature as pathogenic or benign. BRCA2 Ser2922Asn was not observed at a significant allele frequency in large population cohorts (Lek 2016). Since Serine and Asparagine share similar properties, this is considered a conservative amino acid substitution. BRCA2 Ser2922Asn occurs at a position where amino acids with properties similar to Serine are tolerated across species and is located in the DNA binding domain (Yang 2002). In silico analyses are inconsistent regarding the effect this variant may have on protein structure and function. Based on currently available evidence, it is unclear whether BRCA2 Ser2922Asn is a pathogenic or benign variant. We consider it to be a variant of uncertain significance.

Department of Pathology and Laboratory Medicine, Sinai Health System
Classification: Uncertain significance for Malignant tumor of breast. Review status: no assertion criteria provided. Collection method: clinical testing. Allele origin: unknown. Affected: yes. Observed: 2 variant alleles. Study: The Canadian Open Genetics Repository (COGR). Not counted in ClinVar's aggregate classification.
Comment: The p.Ser2922Asn variant has not been previously reported in the literature. The Ser2922 residue is conserved across mammals and lower species and computational analyses (SIFT) suggest that this variant may impact the protein function, but this information is not enough to assume pathogenicity. In summary, based on this limited amount of information, the clinical significance of this variant cannot be determined with certainty at this time. This variant is classified as a variant of unknown significance (VUS).

Literature cited by the submitters: PubMed 39779848 (cited by Quest Diagnostics Nichols Institute San Juan Capistrano); PubMed 31853058 (cited by Quest Diagnostics Nichols Institute San Juan Capistrano); PubMed 28726806 (cited by Quest Diagnostics Nichols Institute San Juan Capistrano); PubMed 37349538 (cited by Quest Diagnostics Nichols Institute San Juan Capistrano).

NM_000059.4(BRCA2):c.8765G>A (p.Ser2922Asn)

Gene: BRCA2 (BRCA2 DNA repair associated; plus strand). Cytogenetic location: 13q13.1.
Variant type: single nucleotide variant.
Coding change: c.8765G>A on transcript NM_000059.4 (MANE Select); coding-DNA position 8765, G replaced by A.
Protein change: p.Ser2922Asn; replaces serine 2922 with asparagine.
Molecular consequence: missense variant.
Genome position (GRCh38, 1-based): chr13:32,379,327, G>A. VCF-style: chr13-32379327-G-A. GRCh37 (hg19) VCF-style: chr13-32953464-G-A.
Other names: p.S2922N:AGT>AAT; short protein forms S2922N.
Identifiers: ClinVar variation 182254 (VCV000182254.22), dbSNP rs730881567, ClinGen allele CA025820.